The following is an entry in ClinVar:

NM_006059.4(LAMC3):c.2866G>A (p.Gly956Ser)

Gene: LAMC3 (laminin subunit gamma 3; plus strand). Cytogenetic location: 9q34.12.
Variant type: single nucleotide variant.
Coding change: c.2866G>A on transcript NM_006059.4 (MANE Select); coding-DNA position 2866, G replaced by A.
Protein change: p.Gly956Ser; replaces glycine 956 with serine.
Molecular consequence: missense variant.
Genome position (GRCh38, 1-based): chr9:131,069,026, G>A. VCF-style: chr9-131069026-G-A. GRCh37 (hg19) VCF-style: chr9-133944413-G-A.
Other names: short protein forms G956S.
Identifiers: ClinVar variation 1404219 (VCV001404219.5), dbSNP rs142124517, ClinGen allele CA5287595.

ClinVar aggregate classification (germline): Uncertain significance (1 of 4 stars; one submission).

Allele frequency attached by ClinVar (database versions not stated): ExAC 0.00001; gnomAD exomes 0.00001 and 0.00003; gnomAD 0.00004 and 0.00005; TOPMed 0.00004; ESP Exome Variant Server 0.00008; 1000 Genomes Project 30x 0.00016; 1000 Genomes Project 0.00020.
gnomAD v4.1: 30 of 1,613,896 alleles (0.0019%); highest among the groups gnomAD compares: African/African-American, 0.016%; no homozygotes.

Submission:

Labcorp Genetics (formerly Invitae), Labcorp
Classification: Uncertain significance. Last evaluated: 2022-10-17. Review status: criteria provided, single submitter. Criteria: Invitae Variant Classification Sherloc (09022015). Collection method: clinical testing. Allele origin: germline.
Comment: This sequence change replaces glycine, which is neutral and non-polar, with serine, which is neutral and polar, at codon 956 of the LAMC3 protein (p.Gly956Ser). This variant is present in population databases (rs142124517, gnomAD 0.02%). This variant has not been reported in the literature in individuals affected with LAMC3-related conditions. ClinVar contains an entry for this variant (Variation ID: 1404219). Algorithms developed to predict the effect of missense changes on protein structure and function output the following: SIFT: "Deleterious"; PolyPhen-2: "Possibly Damaging"; Align-GVGD: "Class C0". The serine amino acid residue is found in multiple mammalian species, which suggests that this missense change does not adversely affect protein function. In summary, the available evidence is currently insufficient to determine the role of this variant in disease. Therefore, it has been classified as a Variant of Uncertain Significance.